The following is an entry in ClinVar:

NM_198253.3(TERT):c.1625C>T (p.Ala542Val)

Gene: TERT (telomerase reverse transcriptase; minus strand). Cytogenetic location: 5p15.33.
Variant type: single nucleotide variant.
Coding change: c.1625C>T on transcript NM_198253.3 (MANE Select); coding-DNA position 1625, C replaced by T.
Protein change: p.Ala542Val; replaces alanine 542 with valine.
Molecular consequence: missense variant. On other transcripts: non-coding transcript variant (2).
Genome position (GRCh38, 1-based): chr5:1,282,573, G>A on the plus strand (C>T on the coding strand, the complement: TERT is on the minus strand). VCF-style: chr5-1282573-G-A. GRCh37 (hg19) VCF-style: chr5-1282688-G-A.
Other names: c.1625C>T, p.Ala542Val (NM_001193376.3); short protein forms A542V.
Identifiers: ClinVar variation 643847 (VCV000643847.12), dbSNP rs1579580180, ClinGen allele CA359083386.

ClinVar aggregate classification (germline): Uncertain significance. Review status: criteria provided, multiple submitters, no conflicts (2 of 4 stars). 4 submissions from 4 submitters: Uncertain significance (4). Last evaluated 2026-01-21.

Conditions:
Dyskeratosis congenita. Identifiers: Orphanet 1775, MedGen C0265965, MONDO:0015780.
Dyskeratosis congenita, autosomal dominant 2. Identifiers: MedGen C3151443, MONDO:0013521, OMIM 613989.
Idiopathic Pulmonary Fibrosis. Also called: Idiopathic fibrosing alveolitis, chronic form; idiopathic fibrosing alveolitis. Identifiers: Orphanet 2032, MedGen C1800706, MeSH D054990, MONDO:0800504.

Allele frequency attached by ClinVar (database versions not stated): gnomAD exomes 0.00003.
gnomAD v4.1: 37 of 1,614,110 alleles (0.0023%); highest among the groups gnomAD compares: Non-Finnish European, 0.0031%; no homozygotes.

Submissions (4):

Ambry Genetics
Classification: Uncertain significance for Dyskeratosis congenita. Last evaluated: 2026-01-21. Review status: criteria provided, single submitter. Criteria: Ambry Variant Classification Scheme 2023. Collection method: clinical testing. Allele origin: germline.
Comment: The p.A542V variant (also known as c.1625C>T), located in coding exon 3 of the TERT gene, results from a C to T substitution at nucleotide position 1625. The alanine at codon 542 is replaced by valine, an amino acid with similar properties. This amino acid position is not well conserved in available vertebrate species. In addition, the in silico prediction for this alteration is inconclusive. Based on the available evidence, the clinical significance of this variant remains unclear.

Labcorp Genetics (formerly Invitae), Labcorp
Classification: Uncertain significance for Dyskeratosis congenita, autosomal dominant 2; Idiopathic Pulmonary Fibrosis. Last evaluated: 2025-11-24. Review status: criteria provided, single submitter. Criteria: Invitae Variant Classification Sherloc (09022015). Collection method: clinical testing. Allele origin: germline.
Comment: This sequence change replaces alanine, which is neutral and non-polar, with valine, which is neutral and non-polar, at codon 542 of the TERT protein (p.Ala542Val). This variant is not present in population databases (gnomAD no frequency). This variant has not been reported in the literature in individuals affected with TERT-related conditions. ClinVar contains an entry for this variant (Variation ID: 643847). Invitae Evidence Modeling of protein sequence and biophysical properties (such as structural, functional, and spatial information, amino acid conservation, physicochemical variation, residue mobility, and thermodynamic stability) indicates that this missense variant is expected to disrupt TERT protein function with a positive predictive value of 95%. In summary, the available evidence is currently insufficient to determine the role of this variant in disease. Therefore, it has been classified as a Variant of Uncertain Significance.

Baylor Genetics
Classification: Uncertain significance for Dyskeratosis congenita, autosomal dominant 2. Last evaluated: 2023-06-30. Review status: criteria provided, single submitter. Criteria: ACMG Guidelines, 2015. Collection method: clinical testing. Allele origin: unknown.

Blueprint Genetics
Classification: Uncertain significance. Last evaluated: 2020-03-31. Review status: criteria provided, single submitter. Criteria: ACMG Guidelines, 2015. Collection method: clinical testing. Allele origin: germline.

Literature cited by the submitters: PubMed 29891356 (cited by Ambry Genetics).